The following is an entry in ClinVar:

Conditions:
Breast-ovarian cancer, familial, susceptibility to, 1 (BROVCA1). Also called: BRCA1 Hereditary Breast and Ovarian Cancer; OVARIAN CANCER, SUSCEPTIBILITY TO. Identifiers: Orphanet 145, MedGen C2676676, MONDO:0011450, OMIM 604370. Disease mechanism: loss of function.

gnomAD v4.1: 1 of 1,613,908 alleles (0.000062%); highest among the groups gnomAD compares: Non-Finnish European, 0.000085%; no homozygotes.

Submission:

Brotman Baty Institute, University of Washington
No classification provided (evidence only). Condition: Breast-ovarian cancer, familial 1. Review status: no classification provided. Collection method: in vitro. Allele origin: not applicable. Functional consequence: functionally_normal.
ClinVar note: "not provided" was previously submitted as the classification for the variant. However, the classification appeared to be based only on an observation of functional data so it was converted to no classification on 2025-07-30.

NM_007294.4(BRCA1):c.30A>T (p.Glu10Asp)

Gene: BRCA1 (BRCA1 DNA repair associated; minus strand). Cytogenetic location: 17q21.31.
Variant type: single nucleotide variant.
Coding change: c.30A>T on transcript NM_007294.4 (MANE Select); coding-DNA position 30, A replaced by T.
Protein change: p.Glu10Asp; replaces glutamic acid 10 with aspartic acid.
Molecular consequence: missense variant. On other transcripts: 5 prime UTR variant (1), non-coding transcript variant (1).
Genome position (GRCh38, 1-based): chr17:43,124,067, T>A on the plus strand (A>T on the coding strand, the complement: BRCA1 is on the minus strand). VCF-style: chr17-43124067-T-A. GRCh37 (hg19) VCF-style: chr17-41276084-T-A.
Other names: c.30A>T, p.Glu10Asp (NM_001407678.1, NM_001407679.1, NM_001407680.1 and 193 more transcripts); c.-228A>T (NM_001407694.1, NM_001407724.1, NM_001407727.1 and 11 more transcripts); c.-232A>T (NM_001407695.1, NM_001408465.1); c.-373A>T (NM_001407696.1); c.-257A>T (NM_001407697.1, NM_001407846.1, NM_001407920.1); c.-58A>T (NM_001407698.1, NM_001407732.1, NM_001407736.1 and 23 more transcripts); c.-231A>T (NM_001407725.1, NM_001407730.1, NM_001407734.1 and 22 more transcripts); c.-177A>T (NM_001407726.1, NM_001407751.1); and 8 more; short protein forms E10D.
Identifiers: ClinVar variation 865019 (VCV000865019.3), dbSNP rs2055737161, ClinGen allele CA10602100.
Genomic context (GRCh38, chr17:43,124,067, plus strand): 5'-GCTGACTTACCAGATGGGACACTCTAAGATTTTCTGCATAGCATTAATGACATTTTGTAC[T>A]TCTTCAACGCGAAGAGCAGATAAATCCATTTCTTTCTGTTCCAATGAACTTTAACACATT-3'
Protein context (NP_009225.1, residues 1-20): MDLSALRVE[Glu10Asp]VQNVINAMQK